The following is an entry in ClinVar:

ClinVar aggregate classification (germline): Pathogenic (1 of 4 stars; one submission).

Conditions:
Opsismodysplasia (OPSMD). Also called: INPPL1-Related Opsismodysplasia. Identifiers: Orphanet 2746, MedGen C0432219, MONDO:0009785, OMIM 258480.

Submission:

MGZ Medical Genetics Center
Classification: Pathogenic for Opsismodysplasia. Last evaluated: 2021-08-25. Review status: criteria provided, single submitter. Criteria: ACMG Guidelines, 2015. Collection method: clinical testing. Allele origin: germline. Affected: yes. Observed: 1 variant allele.
Comment: ACMG criteria applied: PVS1, PM2_SUP, PM3_SUP

NM_001567.4(INPPL1):c.3562dup (p.Leu1188fs)

Gene: INPPL1 (inositol polyphosphate phosphatase like 1; plus strand). Cytogenetic location: 11q13.4.
Variant type: Duplication.
Coding change: c.3562dup on transcript NM_001567.4 (MANE Select); coding-DNA position 3562, one base duplicated (C; older notation c.3562dupC).
Protein change: p.Leu1188fs; shifts the reading frame from leucine 1188.
Molecular consequence: frameshift variant.
Genome position (GRCh38, 1-based): chr11:72,238,051, C duplicated; the last of 2 consecutive C bases (chr11:72,238,050-72,238,051); duplicating either gives the same sequence. VCF-style (leftmost placement, unchanged base first): chr11-72238049-G-GC. GRCh37 (hg19) VCF-style: chr11-71949093-G-GC.
Other names: short protein forms L1188fs.
Identifiers: ClinVar variation 1709919 (VCV001709919.2), dbSNP rs2539251135, ClinGen allele CA2580084843.